The following is an entry in ClinVar:

ClinVar aggregate classification (germline): Uncertain significance (1 of 4 stars; one submission).

Submission:

CeGaT Center for Human Genetics Tuebingen
Classification: Uncertain significance. Last evaluated: 2026-03-01. Review status: criteria provided, single submitter. Criteria: CeGaT Center For Human Genetics Tuebingen Variant Classification Criteria Version 2. Collection method: clinical testing. Allele origin: germline. Affected: yes. Observed: 1 variant allele.
Comment: CTTNBP2: PM2, PP3

NM_033427.3(CTTNBP2):c.3436-2A>G

Gene: CTTNBP2 (cortactin binding protein 2; minus strand). Cytogenetic location: 7q31.31.
Variant type: single nucleotide variant.
Coding change: c.3436-2A>G on transcript NM_033427.3 (MANE Select); the canonical splice acceptor site of the intron before coding-DNA position 3436, A replaced by G.
Molecular consequence: splice acceptor variant.
Genome position (GRCh38, 1-based): chr7:117,745,932, T>C on the plus strand (A>G on the coding strand, the complement: CTTNBP2 is on the minus strand). VCF-style: chr7-117745932-T-C. GRCh37 (hg19) VCF-style: chr7-117385986-T-C.
Other names: c.1339-2A>G (NM_001363351.1, NM_001363350.1); c.3382-2A>G (NM_001363349.1).
Identifiers: ClinVar variation 4281256 (VCV004281256.7).